The following is an entry in ClinVar:

NM_199242.3(UNC13D):c.869C>A (p.Ser290Ter)

Gene: UNC13D (unc-13 homolog D; minus strand). Cytogenetic location: 17q25.1.
Variant type: single nucleotide variant.
Coding change: c.869C>A on transcript NM_199242.3 (MANE Select); coding-DNA position 869, C replaced by A.
Protein change: p.Ser290Ter; replaces serine 290 with a stop codon.
Molecular consequence: nonsense.
Genome position (GRCh38, 1-based): chr17:75,840,100, G>T on the plus strand (C>A on the coding strand, the complement: UNC13D is on the minus strand). VCF-style: chr17-75840100-G-T. GRCh37 (hg19) VCF-style: chr17-73836181-G-T.
Other names: short protein forms S290*.
Identifiers: ClinVar variation 489112 (VCV000489112.2), dbSNP rs202020396, ClinGen allele CA401108037.

ClinVar aggregate classification (germline): Likely pathogenic (1 of 4 stars; one submission).

gnomAD v4.1: 1 of 1,612,650 alleles (0.000062%); highest among the groups gnomAD compares: Non-Finnish European, 0.000085%; no homozygotes.

Submission:

GeneDx
Classification: Likely pathogenic. Last evaluated: 2017-11-10. Review status: criteria provided, single submitter. Criteria: GeneDx Variant Classification (06012015). Collection method: clinical testing. Allele origin: germline. Affected: yes.
Comment: The S290X variant in the UNC13D gene has not been reported previously as a pathogenic variant nor as a benign variant, to our knowledge. This variant is predicted to cause loss of normal protein function either through protein truncation or nonsense-mediated mRNA decay. The S290X variant is not observed in large population cohorts (Lek et al., 2016). We interpret S290X as a likely pathogenic variant.